The following is an entry in ClinVar:

ClinVar aggregate classification (germline): Pathogenic (1 of 4 stars; one submission).

Conditions:
Peroxisome biogenesis disorder 3A (Zellweger). Also called: PEROXISOMAL BIOGENESIS DISORDER 3A (ZELLWEGER); Peroxisome biogenesis disorder 3A. Identifiers: Orphanet 912, MedGen C3553929, MONDO:0013927, OMIM 614859.

Submission:

Labcorp Genetics (formerly Invitae), Labcorp
Classification: Pathogenic for Peroxisome biogenesis disorder 3A (Zellweger). Last evaluated: 2022-02-03. Review status: criteria provided, single submitter. Criteria: Invitae Variant Classification Sherloc (09022015). Collection method: clinical testing. Allele origin: germline.
Comment: For these reasons, this variant has been classified as Pathogenic. This variant has not been reported in the literature in individuals affected with PEX12-related conditions. This variant is not present in population databases (gnomAD no frequency). This sequence change creates a premature translational stop signal (p.Asp96Thrfs*31) in the PEX12 gene. It is expected to result in an absent or disrupted protein product. Loss-of-function variants in PEX12 are known to be pathogenic (PMID: 9090384, 9632816, 21031596).

Literature cited by the submitters: PubMed 9090384; PubMed 9632816; PubMed 21031596.

NM_000286.3(PEX12):c.286del (p.Asp96fs)

Gene: PEX12 (peroxisomal biogenesis factor 12; minus strand). Cytogenetic location: 17q12.
Variant type: Deletion.
Coding change: c.286del on transcript NM_000286.3 (MANE Select); coding-DNA position 286, one base deleted (G; older notation c.286delG).
Protein change: p.Asp96fs; shifts the reading frame from aspartic acid 96.
Molecular consequence: frameshift variant.
Genome position (GRCh38, 1-based): chr17:35,577,432, C deleted on the plus strand (G on the coding strand, the reverse complement: PEX12 is on the minus strand); the first of 5 consecutive C bases (chr17:35,577,432-35,577,436); deleting any one gives the same sequence. VCF-style (leftmost placement, unchanged base first): chr17-35577431-TC-T. GRCh37 (hg19) VCF-style: chr17-33904450-TC-T.
Other names: short protein forms D96fs.
Identifiers: ClinVar variation 2092385 (VCV002092385.4), dbSNP rs2509170297, ClinGen allele CA2580093612.
Genomic context (GRCh38, chr17:35,577,431, plus strand): 5'-GATTTCCAAAGCTGCTGCTTTGGGAGACCAGCACTAGCCAATCTCTGAGACTTGTGAGTG[TC>T]CCCCATTACAATTCTCTTTAAGCCGTAAAAGTTTTCAGAAAATGAGGCACTGGTTCTAGA-3'